The following is an entry in ClinVar:

NM_014363.6(SACS):c.5336C>T (p.Ser1779Leu)

Gene: SACS (sacsin molecular chaperone; minus strand). Cytogenetic location: 13q12.12.
Variant type: single nucleotide variant.
Coding change: c.5336C>T on transcript NM_014363.6 (MANE Select); coding-DNA position 5336, C replaced by T.
Protein change: p.Ser1779Leu; replaces serine 1779 with leucine.
Molecular consequence: missense variant.
Genome position (GRCh38, 1-based): chr13:23,338,540, G>A on the plus strand (C>T on the coding strand, the complement: SACS is on the minus strand). VCF-style: chr13-23338540-G-A. GRCh37 (hg19) VCF-style: chr13-23912679-G-A.
Other names: c.4895C>T, p.Ser1632Leu (NM_001278055.2); c.5336C>T (NM_014363.4); short protein forms S1632L, S1779L.
Identifiers: ClinVar variation 2149958 (VCV002149958.7), dbSNP rs372111448, ClinGen allele CA6911264.
Genomic context (GRCh38, chr13:23,338,540, plus strand): 5'-CCAGACTTAGCCATTTCAAAGAGAGCAGCTGGGTCATCATCTGGACCTCTAAAAAGTGGC[G>A]ACTGTAAATCAGCAATCCTTCTGAACACATGGTGAAATTCTTCCACTGTGATCTGAAGAA-3'
Protein context (NP_055178.3, residues 1769-1789): HVFRRIADLQ[Ser1779Leu]PLFRGPDDDP

ClinVar aggregate classification (germline): Conflicting classifications of pathogenicity. Review status: criteria provided, conflicting classifications (1 of 4 stars). 3 submissions from 3 submitters: Uncertain significance (2); Likely benign (1). Last evaluated 2025-08-31.

Conditions:
Spastic paraplegia. Identifiers: MedGen C0037772, HP:0001258.
Inborn genetic diseases. Identifiers: MedGen C0950123, MeSH D030342.

Allele frequency attached by ClinVar (database versions not stated): TOPMed 0.00002; ESP Exome Variant Server 0.00008; ExAC 0.00001; gnomAD 0.00001.
gnomAD v4.1: 19 of 1,614,014 alleles (0.0012%); highest among the groups gnomAD compares: Admixed American, 0.01%; no homozygotes.

Submissions (3):

Dasa
Classification: Uncertain significance. Last evaluated: 2025-08-31. Review status: criteria provided, single submitter. Criteria: DASA Assertion Criteria. Collection method: clinical testing. Allele origin: germline.
Comment: NM_014363.6(SACS):c.5336C>T (p.Ser1779Leu) is a missense variant that results in the substitution of serine with leucine. This variant is rare in population databases. The currently available literature and clinical evidence are not sufficient to establish a definitive association between this variant and the reported condition. Therefore, this variant is classified as a variant of uncertain significance.

Labcorp Genetics (formerly Invitae), Labcorp
Classification: Likely benign for Spastic paraplegia. Last evaluated: 2025-04-27. Review status: criteria provided, single submitter. Criteria: Invitae Variant Classification Sherloc (09022015). Collection method: clinical testing. Allele origin: germline.

Ambry Genetics
Classification: Uncertain significance for Inborn genetic diseases. Last evaluated: 2021-03-22. Review status: criteria provided, single submitter. Criteria: Ambry Variant Classification Scheme 2023. Collection method: clinical testing. Allele origin: germline.
Comment: The c.5336C>T (p.S1779L) alteration is located in exon 10 (coding exon 9) of the SACS gene. This alteration results from a C to T substitution at nucleotide position 5336, causing the serine (S) at amino acid position 1779 to be replaced by a leucine (L). The p.S1779L alteration is predicted to be deleterious by in silico analysis. Based on insufficient or conflicting evidence, the clinical significance of this alteration remains unclear.